The following is an entry in ClinVar:

NM_006939.4(SOS2):c.1300G>C (p.Asp434His)

Gene: SOS2 (SOS Ras/Rho guanine nucleotide exchange factor 2; minus strand). Cytogenetic location: 14q21.3.
Variant type: single nucleotide variant.
Coding change: c.1300G>C on transcript NM_006939.4 (MANE Select); coding-DNA position 1300, G replaced by C.
Protein change: p.Asp434His; replaces aspartic acid 434 with histidine.
Molecular consequence: missense variant.
Genome position (GRCh38, 1-based): chr14:50,159,983, C>G on the plus strand (G>C on the coding strand, the complement: SOS2 is on the minus strand). VCF-style: chr14-50159983-C-G. GRCh37 (hg19) VCF-style: chr14-50626701-C-G.
Other names: short protein forms D434H.
Identifiers: ClinVar variation 1382433 (VCV001382433.8), dbSNP rs2139629861, ClinGen allele CA389646103.

ClinVar aggregate classification (germline): Uncertain significance (1 of 4 stars; one submission).

Conditions:
Noonan syndrome 9 (NS9). Identifiers: Orphanet 648, MedGen C4225282, MONDO:0014691, OMIM 616559.

Submission:

Labcorp Genetics (formerly Invitae), Labcorp
Classification: Uncertain significance for Noonan syndrome 9. Last evaluated: 2022-08-23. Review status: criteria provided, single submitter. Criteria: Invitae Variant Classification Sherloc (09022015). Collection method: clinical testing. Allele origin: germline.
Comment: In summary, the available evidence is currently insufficient to determine the role of this variant in disease. Therefore, it has been classified as a Variant of Uncertain Significance. Advanced modeling of protein sequence and biophysical properties (such as structural, functional, and spatial information, amino acid conservation, physicochemical variation, residue mobility, and thermodynamic stability) performed at Invitae indicates that this missense variant is expected to disrupt SOS2 protein function. ClinVar contains an entry for this variant (Variation ID: 1382433). This variant has not been reported in the literature in individuals affected with SOS2-related conditions. This variant is not present in population databases (gnomAD no frequency). This sequence change replaces aspartic acid, which is acidic and polar, with histidine, which is basic and polar, at codon 434 of the SOS2 protein (p.Asp434His).